The following is an entry in ClinVar:

ClinVar aggregate classification (germline): Likely benign (1 of 4 stars; one submission).

Conditions:
Leber congenital amaurosis 12 (LCA12). Identifiers: Orphanet 65, MedGen C1857743, MONDO:0012525, OMIM 610612.

Allele frequency attached by ClinVar (database versions not stated): gnomAD 0.00564 and 0.00624; 1000 Genomes Project 0.04593; gnomAD exomes 0.15000.
gnomAD v4.1: 40 of 5,434 alleles (0.74%); highest among the groups gnomAD compares: Middle Eastern, 7.1%; no homozygotes.

Submission:

Illumina Laboratory Services, Illumina
Classification: Likely benign for Leber congenital amaurosis 12. Last evaluated: 2018-01-12. Review status: criteria provided, single submitter. Criteria: ICSL Variant Classification Criteria 13 December 2019. Collection method: clinical testing. Allele origin: germline.
Comment: This variant was observed in the ICSL laboratory as part of a predisposition screen in an ostensibly healthy population. It had not been previously curated by ICSL or reported in the Human Gene Mutation Database (HGMD: prior to June 1st, 2018), and was therefore a candidate for classification through an automated scoring system. Utilizing variant allele frequency, disease prevalence and penetrance estimates, and inheritance mode, an automated score was calculated to assess if this variant is too frequent to cause the disease. Based on the score and internal cut-off values, a variant classified as likely benign is not then subjected to further curation. The score for this variant resulted in a classification of likely benign for this disease.

NM_001164688.2(RD3):c.-294A>C

Gene: RD3 (RD3 regulator of GUCY2D; minus strand). Cytogenetic location: 1q32.3.
Variant type: single nucleotide variant.
Coding change: c.-294A>C on transcript NM_001164688.2 (MANE Select); 294 bases upstream of the start codon, A replaced by C.
Molecular consequence: 5 prime UTR variant.
Genome position (GRCh38, 1-based): chr1:211,492,050, T>G on the plus strand (A>C on the coding strand, the complement: RD3 is on the minus strand). VCF-style: chr1-211492050-T-G. GRCh37 (hg19) VCF-style: chr1-211665392-T-G.
Other names: c.-297A>C (NM_183059.3).
Identifiers: ClinVar variation 295279 (VCV000295279.5), dbSNP rs202137622, ClinGen allele CA10608926.